The following is an entry in ClinVar:

ClinVar aggregate classification (germline): Pathogenic. Review status: criteria provided, multiple submitters, no conflicts (2 of 4 stars). 12 submissions from 12 submitters: Pathogenic (9). 3 of the submissions do not count toward it. Last evaluated 2026-08-06.

Conditions:
Methylmalonic aciduria due to complete methylmalonyl-CoA mutase deficiency.
Methylmalonic acidemia (MMA). Also called: Isolated Methylmalonic Acidemia. Identifiers: MedGen C0268583, MeSH C537358, MONDO:0002012, HP:0002912.
Methylmalonic aciduria due to methylmalonyl-CoA mutase deficiency (MAMM). Also called: Methylmalonic aciduria, mut type. Identifiers: Orphanet 27, MedGen C1855114, MONDO:0009612, OMIM 251000.
METHYLMALONIC ACIDURIA, mut(-) TYPE. Identifiers: MedGen C1855116, OMIM 251000.

Allele frequency attached by ClinVar (database versions not stated): gnomAD 0.00019 and 0.00021; ExAC 0.00007; gnomAD exomes 0.00005; TOPMed 0.00026.
gnomAD v4.1: 54 of 1,613,592 alleles (0.0033%); highest among the groups gnomAD compares: African/African-American, 0.065%; no homozygotes.

Submissions (12):

OLLIN Analises Genomicas, OLLIN
Classification: Pathogenic for Methylmalonic aciduria due to methylmalonyl-CoA mutase deficiency. Last evaluated: 2026-08-06. Review status: criteria provided, single submitter. Criteria: ACMG Guidelines 2015 PMID 25741868. Collection method: clinical testing. Allele origin: germline. Inheritance: Autosomal recessive inheritance.
Comment: This missense variant, located in exon 13 (of 13), has been reported in ClinVar (accession VCV002737563.3), in gnomAD with an allele frequency of 0.0033%, and in the scientific literature, in compound heterozygosity, in individuals with MMUT related disorders (PMID: 16281286, 26790480). Functional studies suggest that this variant may affect protein function, and in silico analysis predicts a deleterious effect (PMID: 16281286). Another pathogenic variant affecting the same amino acid residue has been reported. According to the currently available evidence, this variant has been classified as pathogenic (PS3_P, PM2_P, PM3_S, PM5, PP3_S).

Labcorp Genetics (formerly Invitae), Labcorp
Classification: Pathogenic. Last evaluated: 2026-01-31. Review status: criteria provided, single submitter. Criteria: Invitae Variant Classification Sherloc (09022015). Collection method: clinical testing. Allele origin: germline.
Comment: This sequence change replaces glycine, which is neutral and non-polar, with valine, which is neutral and non-polar, at codon 717 of the MUT protein (p.Gly717Val). This variant is present in population databases (rs121918252, gnomAD 0.07%). This missense change has been observed in individual(s) with methylmalonic acidemia (PMID: 1346616, 16281286, 27233228). ClinVar contains an entry for this variant (Variation ID: 1881). Invitae Evidence Modeling of protein sequence and biophysical properties (such as structural, functional, and spatial information, amino acid conservation, physicochemical variation, residue mobility, and thermodynamic stability) indicates that this missense variant is expected to disrupt MUT protein function with a positive predictive value of 95%. Experimental studies have shown that this missense change affects MUT function (PMID: 1346616, 25125334). For these reasons, this variant has been classified as Pathogenic.

Natera, Inc.
Classification: Pathogenic for Methylmalonic aciduria due to complete methylmalonyl-CoA mutase deficiency. Last evaluated: 2025-12-22. Review status: criteria provided, single submitter. Criteria: Natera Variant Classification Schema (03/2026). Collection method: clinical testing. Allele origin: germline.
Comment: The c.2150G>T variant in MMUT is a missense variant predicted to cause substitution of glycine to valine at amino acid 717. This variant is rare in the general population with a frequency below the threshold expected for the associated phenotype(s). This variant has been observed in one or more individuals affected with the associated recessive disease, as either homozygous or compound heterozygous with a second variant (PMID: 16281286). Given the available evidence, this variant is classified as Pathogenic.

3billion
Classification: Pathogenic for Methylmalonic aciduria due to methylmalonyl-CoA mutase deficiency. Last evaluated: 2024-08-29. Review status: criteria provided, single submitter. Criteria: ACMG Guidelines, 2015. Collection method: clinical testing. Allele origin: germline. Affected: yes.
Comment: The variant is observed at an extremely low frequency in the gnomAD v4.0.0 dataset (total allele frequency: 0.003%). Predicted Consequence/Location: Missense variant Functional studies provide moderate evidence of the variant having a damaging effect on the gene or gene product (PMID: 1346616). In silico tool predictions suggest damaging effect of the variant on gene or gene product [REVEL: 0.95 (>=0.6, sensitivity 0.68 and specificity 0.92); 3Cnet: 0.98 (>=0.6, sensitivity 0.72 and precision 0.9)]. The same nucleotide change resulting in the same amino acid change has been previously reported as pathogenic/likely pathogenic with strong evidence (ClinVar ID: VCV000001881 /PMID: 1346616). A different missense change at the same codon (p.Gly717Asp) has been reported to be associated with MMUT-related disorder (ClinVar ID: VCV002737563). Therefore, this variant is classified as Pathogenic according to the recommendation of ACMG/AMP guideline.

Revvity Omics, Revvity
Classification: Pathogenic for Methylmalonic aciduria due to methylmalonyl-CoA mutase deficiency. Last evaluated: 2023-09-28. Review status: criteria provided, single submitter. Criteria: ACMG Guidelines, 2015. Collection method: clinical testing. Allele origin: germline.

Fulgent Genetics
Classification: Pathogenic for Methylmalonic aciduria due to methylmalonyl-CoA mutase deficiency. Last evaluated: 2022-04-12. Review status: criteria provided, single submitter. Criteria: ACMG Guidelines, 2015. Collection method: clinical testing. Allele origin: unknown.

GeneDx
Classification: Pathogenic. Last evaluated: 2021-06-14. Review status: criteria provided, single submitter. Criteria: GeneDx Variant Classification Process June 2021. Collection method: clinical testing. Allele origin: germline. Affected: yes.
Comment: Published functional studies demonstrate this variant fails to constitute [14C] propionate incorporation activity (Crane et al., 1992); The majority of missense variants in this gene are considered pathogenic (Stenson et al., 2014 ); In silico analysis supports that this missense variant has a deleterious effect on protein structure/function; This variant is associated with the following publications: (PMID: 9285782, 25125334, 24077912, 25087612, 1346616, 16281286, 26790480, 31622506, 27535533)

Women's Health and Genetics/Laboratory Corporation of America, LabCorp
Classification: Pathogenic for Methylmalonic acidemia. Last evaluated: 2018-05-25. Review status: criteria provided, single submitter. Criteria: LabCorp Variant Classification Summary - May 2015. Collection method: clinical testing. Allele origin: germline.
Comment: Variant summary: MUT c.2150G>T (p.Gly717Val) results in a non-conservative amino acid change located in the Cobalamin (vitamin B12)-binding domain and C-terminal of the Methylmalonyl-CoA mutase domain of the encoded protein sequence. Five of five in-silico tools predict a damaging effect of the variant on protein function. The variant allele was found at a frequency of 5.8e-05 in 277004 control chromosomes (gnomAD). The variant, c.2150G>T, has been reported in the literature in multiple individuals affected with Methylmalonic Acidemia as a homozygous and compound heterozygous allele (Worgan_2006, Harrington_2016). These data indicate that the variant is very likely to be associated with disease. At least one publication reports experimental evidence evaluating an impact on protein function (Worgan_2006). The most pronounced variant effect results in <10% of normal activity. Three clinical diagnostic laboratories have submitted clinical-significance assessments for this variant to ClinVar after 2014 and all classified the variant as pathogenic. Based on the evidence outlined above, the variant was classified as pathogenic.

Eurofins Ntd Llc (ga)
Classification: Pathogenic. Last evaluated: 2015-06-10. Review status: criteria provided, single submitter. Criteria: EGL Classification Definitions. Collection method: clinical testing. Allele origin: germline. Observed: 7 variant alleles, 5 heterozygotes, 2 homozygotes.

Counsyl
Classification: Pathogenic for Methylmalonic aciduria due to methylmalonyl-CoA mutase deficiency. Last evaluated: 2017-04-21. Review status: no assertion criteria provided. Collection method: clinical testing. Allele origin: unknown. Not counted in ClinVar's aggregate classification.

OMIM
Classification: Pathogenic for METHYLMALONIC ACIDURIA, mut(-) TYPE. Last evaluated: 2006-01-01. Review status: no assertion criteria provided. Collection method: literature only. Allele origin: germline. Not counted in ClinVar's aggregate classification.

GeneReviews
No classification provided. Condition: Methylmalonic aciduria due to methylmalonyl-CoA mutase deficiency. Review status: no classification provided. Collection method: literature only. Allele origin: germline. Affected: yes. Not counted in ClinVar's aggregate classification.
Comment: mut¯ enzymatic subtype

Literature cited by the submitters: PubMed 16281286 (cited by 6 submitters); PubMed 26790480 (cited by OLLIN Analises Genomicas, OLLIN and Women's Health and Genetics/Laboratory Corporation of America, LabCorp); PubMed 1346616 (cited by 4 submitters); PubMed 27233228 (cited by Labcorp Genetics (formerly Invitae), Labcorp); PubMed 25125334 (cited by Labcorp Genetics (formerly Invitae), Labcorp and Counsyl); PubMed 9285782 (cited by Counsyl); PubMed 8880917 (cited by Counsyl); PubMed 1970180 (cited by OMIM); PubMed 1351030 (cited by OMIM); NCBI Bookshelf NBK1231 (cited by GeneReviews).

NM_000255.4(MMUT):c.2150G>T (p.Gly717Val)

Gene: MMUT (methylmalonyl-CoA mutase; minus strand). Cytogenetic location: 6p12.3.
Variant type: single nucleotide variant.
Coding change: c.2150G>T on transcript NM_000255.4 (MANE Select); coding-DNA position 2150, G replaced by T.
Protein change: p.Gly717Val; replaces glycine 717 with valine.
Molecular consequence: missense variant.
Genome position (GRCh38, 1-based): chr6:49,431,831, C>A on the plus strand (G>T on the coding strand, the complement: MMUT is on the minus strand). VCF-style: chr6-49431831-C-A. GRCh37 (hg19) VCF-style: chr6-49399544-C-A.
Other names: short protein forms G717V.
Identifiers: ClinVar variation 1881 (VCV000001881.65), dbSNP rs121918252, ClinGen allele CA249729.